The following is an entry in ClinVar:

ClinVar aggregate classification (germline): Uncertain significance (1 of 4 stars; one submission).

Conditions:
Van Maldergem syndrome 1 (VMLDS1). Also called: Van Maldergem syndrome 1 (VMLDS1). Identifiers: Orphanet 314679, MedGen C4551950, MONDO:0011070, OMIM 601390.

Submission:

Clinical Genomics Laboratory, Washington University in St. Louis
Classification: Uncertain significance for Van Maldergem syndrome 1. Last evaluated: 2024-07-25. Review status: criteria provided, single submitter. Criteria: ACMG Guidelines, 2015. Collection method: clinical testing. Allele origin: germline.
Comment: The DCHS1 c.9136A>G (p.Met3046Val) variant was identified at a near heterozygous allelic fraction, a frequency which may be consistent with it being of germline origin. This variant, to our knowledge, has not been reported in the medical literature. Computational predictors are uncertain as to the impact of this variant on DCHS1 function. Due to limited information, and based on ACMG/AMP guidelines for variant interpretation (Richards S et al., PMID: 25741868), the clinical significance of the DCHS1 c.9136A>G (p.Met3046Val) variant is uncertain at this time.

NM_003737.4(DCHS1):c.9136A>G (p.Met3046Val)

Genes: DCHS1 (dachsous cadherin-related 1; minus strand), LOC130005209 (ATAC-STARR-seq lymphoblastoid active region 4351; plus strand). Cytogenetic location: 11p15.4.
Variant type: single nucleotide variant.
Coding change: c.9136A>G on transcript NM_003737.4 (MANE Select); coding-DNA position 9136, A replaced by G.
Protein change: p.Met3046Val; replaces methionine 3046 with valine.
Molecular consequence: missense variant.
Genome position (GRCh38, 1-based): chr11:6,622,540, T>C on the plus strand (A>G on the coding strand, the complement: DCHS1 is on the minus strand). VCF-style: chr11-6622540-T-C. GRCh37 (hg19) VCF-style: chr11-6643771-T-C.
Other names: short protein forms M3046V.
Identifiers: ClinVar variation 3600415 (VCV003600415.1).